The following is an entry in ClinVar:

NM_002150.3(HPD):c.842T>A (p.Leu281Ter)

Genes: TIALD (transcript inducer of AURKA lysosomal degradation; plus strand), HPD (4-hydroxyphenylpyruvate dioxygenase; minus strand). Cytogenetic location: 12q24.31.
Variant type: single nucleotide variant.
Coding change: c.842T>A on transcript NM_002150.3 (MANE Select); coding-DNA position 842, T replaced by A.
Protein change: p.Leu281Ter; replaces leucine 281 with a stop codon.
Molecular consequence: nonsense.
Genome position (GRCh38, 1-based): chr12:121,843,822, A>T on the plus strand (T>A on the coding strand, the complement: HPD is on the minus strand). VCF-style: chr12-121843822-A-T. GRCh37 (hg19) VCF-style: chr12-122281728-A-T.
Other names: c.842T>A (NM_002150.2); c.725T>A, p.Leu242Ter (NM_001171993.2); short protein forms L242*, L281*.
Identifiers: ClinVar variation 2445699 (VCV002445699.1), dbSNP rs2500289988, ClinGen allele CA387010972.
Genomic context (GRCh38, chr12:121,843,822, plus strand): 5'-TCCCGCAGTTGTTTGTAGTACGTGGAGGGAACAGATAAGAACTCCAGGCCTCTCTCTCTC[A>T]AGTGGCGAATCTGTTTCAGAGCAAAGCTGAGGTCAGCCTTCGGCCTCCAAGTTCAACTCC-3'

ClinVar aggregate classification (germline): Likely pathogenic (1 of 4 stars; one submission).

Conditions:
Tyrosinemia type III. Also called: Tyrosinemia type 3; 4-alpha hydroxyphenylpyruvic acid oxidase deficiency; 4-alpha hydroxyphenylpyruvate dioxygenase deficiency; 4-Hydroxyphenylpyruvate dioxygenase deficiency; 4-HYDROXYPHENYLPYRUVIC ACID OXIDASE DEFICIENCY. Identifiers: Orphanet 69723, MedGen C0268623, MONDO:0010162, OMIM 276710.

Allele frequency attached by ClinVar (database versions not stated): gnomAD exomes below 0.00001.
gnomAD v4.1: 1 of 1,613,788 alleles (0.000062%); highest among the groups gnomAD compares: South Asian, 0.0011%; no homozygotes.

Submission:

Women's Health and Genetics/Laboratory Corporation of America, LabCorp
Classification: Likely pathogenic for Tyrosinemia type III. Last evaluated: 2023-02-28. Review status: criteria provided, single submitter. Criteria: LabCorp Variant Classification Summary - May 2015. Collection method: clinical testing. Allele origin: germline.
Comment: Variant summary: HPD c.842T>A (p.Leu281X) results in a premature termination codon, predicted to cause a truncation of the encoded protein or absence of the protein due to nonsense mediated decay, which are commonly known mechanisms for disease. Truncations downstream of this position have been classified as pathogenic in ClinVar. The variant was absent in 251466 control chromosomes. To our knowledge, no occurrence of c.842T>A in individuals affected with Tyrosinemia Type 3 and no experimental evidence demonstrating its impact on protein function have been reported. No clinical diagnostic laboratories have submitted clinical-significance assessments for this variant to ClinVar after 2014. Based on the evidence outlined above, the variant was classified as likely pathogenic.